The following continues an entry in ClinVar:

NM_007294.4(BRCA1):c.3178G>T (p.Glu1060Ter)

Gene: BRCA1. ClinVar aggregate classification (germline): Pathogenic. Pathogenic (1).

Submissions 12 to 19 of 19:

Consortium of Investigators of Modifiers of BRCA1/2 (CIMBA), c/o University of Cambridge
Classification: Pathogenic for Breast-ovarian cancer, familial, susceptibility to, 1. Last evaluated: 2015-10-02. Review status: criteria provided, single submitter. Criteria: CIMBA Mutation Classification guidelines May 2016. Collection method: clinical testing. Allele origin: germline. Not counted in ClinVar's aggregate classification.

Department of Medical Genetics, Oslo University Hospital
Classification: Pathogenic for Breast-ovarian cancer, familial, susceptibility to, 1. Last evaluated: 2015-07-01. Review status: criteria provided, single submitter. Criteria: ACMG Guidelines, 2015. Collection method: clinical testing. Allele origin: germline. Affected: yes. Observed: 147 variant alleles. Not counted in ClinVar's aggregate classification.

Molecular Genetics Laboratory, University of Michigan
Classification: Pathogenic for Breast-ovarian cancer, familial, susceptibility to, 1. Last evaluated: 2014-11-03. Review status: criteria provided, single submitter. Criteria: ACMG Guidelines, 2015. Collection method: clinical testing. Allele origin: germline. Affected: yes. Not counted in ClinVar's aggregate classification.

BRCAlab, Lund University
Classification: Pathogenic for Breast-ovarian cancer, familial, susceptibility to, 1. Last evaluated: 2022-08-26. Review status: no assertion criteria provided. Collection method: clinical testing. Allele origin: germline. Affected: yes. Not counted in ClinVar's aggregate classification.

Research Molecular Genetics Laboratory, Women's College Hospital, University of Toronto
Classification: Pathogenic for Hereditary breast ovarian cancer syndrome. Last evaluated: 2014-01-31. Review status: no assertion criteria provided. Collection method: research. Allele origin: germline. Affected: yes. Study: The Canadian Open Genetics Repository (COGR). Not counted in ClinVar's aggregate classification.

Sharing Clinical Reports Project (SCRP)
Classification: Pathogenic for Breast-ovarian cancer, familial 1. Last evaluated: 2007-02-02. Review status: no assertion criteria provided. Collection method: clinical testing. Allele origin: germline. Not counted in ClinVar's aggregate classification.

Breast Cancer Information Core (BIC) (BRCA1)
Classification: Pathogenic for Breast-ovarian cancer, familial 1. Last evaluated: 2002-05-29. Review status: no assertion criteria provided. Collection method: clinical testing. Allele origin: germline. Affected: yes. Observed: 12 variant alleles. Not counted in ClinVar's aggregate classification.

Department of Pathology and Laboratory Medicine, Sinai Health System
Classification: Uncertain significance for Malignant tumor of breast. Review status: no assertion criteria provided. Collection method: clinical testing. Allele origin: unknown. Affected: yes. Study: The Canadian Open Genetics Repository (COGR). Not counted in ClinVar's aggregate classification.

Literature cited by the submitters: PubMed 20104584 (cited by Labcorp Genetics (formerly Invitae), Labcorp); PubMed 9333265 (cited by 4 submitters); PubMed 24010542 (cited by Labcorp Genetics (formerly Invitae), Labcorp and Quest Diagnostics Nichols Institute San Juan Capistrano); PubMed 26681312 (cited by 3 submitters); PubMed 11504767 (cited by 3 submitters); PubMed 18465347 (cited by Ambry Genetics); PubMed 18559594 (cited by Ambry Genetics); PubMed 22434525 (cited by Ambry Genetics); PubMed 23199084 (cited by Ambry Genetics); PubMed 24660075 (cited by 3 submitters); PubMed 29339979 (cited by Ambry Genetics); PubMed 29371908 (cited by Ambry Genetics); PubMed 29446198 (cited by Ambry Genetics); PubMed 33471991 (cited by Ambry Genetics); PubMed 17574839 (cited by Women's Health and Genetics/Laboratory Corporation of America, LabCorp).